The following is an entry in ClinVar:

ClinVar aggregate classification (germline): Likely pathogenic (1 of 4 stars; one submission).

Conditions:
PEX13-related disorder. Also called: PEX13-related disorders; PEX13-related condition.

Submission:

3billion
Classification: Likely pathogenic for PEX13-related disorder. Last evaluated: 2025-02-20. Review status: criteria provided, single submitter. Criteria: ACMG Guidelines, 2015. Collection method: clinical testing. Allele origin: germline. Affected: yes.
Comment: The variant is not observed in the gnomAD v4.1.0 dataset. Predicted Consequence/Location: Frameshift: predicted to result in a loss or disruption of normal protein function through nonsense-mediated decay (NMD) or protein truncation. Multiple pathogenic variants are reported downstream of the variant. Therefore, this variant is classified as Likely pathogenic according to the recommendation of ACMG/AMP guideline.

NM_002618.4(PEX13):c.531del (p.Val178fs)

Gene: PEX13 (peroxisomal biogenesis factor 13; plus strand). Cytogenetic location: 2p15.
Variant type: Deletion.
Coding change: c.531del on transcript NM_002618.4 (MANE Select); coding-DNA position 531, one base deleted (A; older notation c.531delA).
Protein change: p.Val178fs; shifts the reading frame from valine 178.
Molecular consequence: frameshift variant.
Genome position (GRCh38, 1-based): chr2:61,031,857, A deleted; the last of 4 consecutive A bases (chr2:61,031,854-61,031,857); deleting any one gives the same sequence. VCF-style (leftmost placement, unchanged base first): chr2-61031853-CA-C. GRCh37 (hg19) VCF-style: chr2-61258988-CA-C.
Other names: short protein forms V178fs.
Identifiers: ClinVar variation 4293212 (VCV004293212.1).